The following is an entry in ClinVar:

ClinVar aggregate classification (germline): Uncertain significance (1 of 4 stars; one submission).

Conditions:
Kleefstra syndrome 1 (KLEFS1). Identifiers: Orphanet 261494, MedGen C0795833, MONDO:0027407, OMIM 610253.

Submission:

Labcorp Genetics (formerly Invitae), Labcorp
Classification: Uncertain significance for Kleefstra syndrome 1. Last evaluated: 2024-07-17. Review status: criteria provided, single submitter. Criteria: Invitae Variant Classification Sherloc (09022015). Collection method: clinical testing. Allele origin: germline.
Comment: This sequence change replaces alanine, which is neutral and non-polar, with threonine, which is neutral and polar, at codon 173 of the EHMT1 protein (p.Ala173Thr). This variant is not present in population databases (gnomAD no frequency). This variant has not been reported in the literature in individuals affected with EHMT1-related conditions. An algorithm developed to predict the effect of missense changes on protein structure and function outputs the following: PolyPhen-2: "Benign". The threonine amino acid residue is found in multiple mammalian species, which suggests that this missense change does not adversely affect protein function. In summary, the available evidence is currently insufficient to determine the role of this variant in disease. Therefore, it has been classified as a Variant of Uncertain Significance.

NM_024757.5(EHMT1):c.517G>A (p.Ala173Thr)

Gene: EHMT1 (euchromatic histone lysine methyltransferase 1; plus strand). Cytogenetic location: 9q34.3.
Variant type: single nucleotide variant.
Coding change: c.517G>A on transcript NM_024757.5 (MANE Select); coding-DNA position 517, G replaced by A.
Protein change: p.Ala173Thr; replaces alanine 173 with threonine.
Molecular consequence: missense variant.
Genome position (GRCh38, 1-based): chr9:137,717,057, G>A. VCF-style: chr9-137717057-G-A. GRCh37 (hg19) VCF-style: chr9-140611509-G-A.
Other names: c.517G>A, p.Ala173Thr (NM_001145527.2, NM_001354263.2, NM_001354611.2); c.424G>A, p.Ala142Thr (NM_001354259.2, NM_001354612.2); short protein forms A142T, A173T.
Identifiers: ClinVar variation 3690003 (VCV003690003.2).